The following is an entry in ClinVar:

NM_182760.4(SUMF1):c.236C>A (p.Pro79His)

Genes: SUMF1 (sulfatase modifying factor 1; minus strand), LOC129936056 (ATAC-STARR-seq lymphoblastoid silent region 14016; plus strand). Cytogenetic location: 3p26.1.
Variant type: single nucleotide variant.
Coding change: c.236C>A on transcript NM_182760.4 (MANE Select); coding-DNA position 236, C replaced by A.
Protein change: p.Pro79His; replaces proline 79 with histidine.
Molecular consequence: missense variant.
Genome position (GRCh38, 1-based): chr3:4,467,010, G>T on the plus strand (C>A on the coding strand, the complement: SUMF1 is on the minus strand). VCF-style: chr3-4467010-G-T. GRCh37 (hg19) VCF-style: chr3-4508694-G-T.
Other names: c.236C>A, p.Pro79His (NM_001164674.2, NM_001164675.2); short protein forms P79H.
Identifiers: ClinVar variation 1925248 (VCV001925248.5), dbSNP rs1195859714, ClinGen allele CA351794145.

ClinVar aggregate classification (germline): Uncertain significance (1 of 4 stars; one submission).

Conditions:
Multiple sulfatase deficiency (MSD). Also called: Mucosulfatidosis; Multiple Sulfatase Deficiency Disease; Sulfatidosis, Juvenile, Austin Type. Identifiers: Orphanet 585, MedGen C0268263, MONDO:0010088, OMIM 272200.

Allele frequency attached by ClinVar (database versions not stated): gnomAD exomes below 0.00001.
gnomAD v4.1: 2 of 1,595,514 alleles (0.00013%); highest among the groups gnomAD compares: East Asian, 0.0023%; no homozygotes.

Submission:

Labcorp Genetics (formerly Invitae), Labcorp
Classification: Uncertain significance for Multiple sulfatase deficiency. Last evaluated: 2022-07-04. Review status: criteria provided, single submitter. Criteria: Invitae Variant Classification Sherloc (09022015). Collection method: clinical testing. Allele origin: germline.
Comment: In summary, the available evidence is currently insufficient to determine the role of this variant in disease. Therefore, it has been classified as a Variant of Uncertain Significance. Algorithms developed to predict the effect of missense changes on protein structure and function (SIFT, PolyPhen-2, Align-GVGD) all suggest that this variant is likely to be tolerated. This variant has not been reported in the literature in individuals affected with SUMF1-related conditions. This variant is not present in population databases (gnomAD no frequency). This sequence change replaces proline, which is neutral and non-polar, with histidine, which is basic and polar, at codon 79 of the SUMF1 protein (p.Pro79His).